The following is an entry in ClinVar:

NM_203447.4(DOCK8):c.4961A>G (p.Lys1654Arg)

Gene: DOCK8 (dedicator of cytokinesis 8; plus strand). Cytogenetic location: 9p24.3.
Variant type: single nucleotide variant.
Coding change: c.4961A>G on transcript NM_203447.4 (MANE Select); coding-DNA position 4961, A replaced by G.
Protein change: p.Lys1654Arg; replaces lysine 1654 with arginine.
Molecular consequence: missense variant.
Genome position (GRCh38, 1-based): chr9:434,857, A>G. VCF-style: chr9-434857-A-G. GRCh37 (hg19) VCF-style: chr9-434857-A-G.
Other names: c.4661A>G, p.Lys1554Arg (NM_001190458.2); c.4757A>G, p.Lys1586Arg (NM_001193536.2); short protein forms K1654R, K1554R, K1586R.
Identifiers: ClinVar variation 1431883 (VCV001431883.8), dbSNP rs1587033754, ClinGen allele CA372767340.

ClinVar aggregate classification (germline): Uncertain significance (1 of 4 stars; one submission).

Conditions:
Combined immunodeficiency due to DOCK8 deficiency (HIES2). Also called: HIES autosomal recessive; HYPER-IgE RECURRENT INFECTION SYNDROME 2, AUTOSOMAL RECESSIVE; DOCK8 Deficiency; HYPER-IgE SYNDROME 2, AUTOSOMAL RECESSIVE, WITH RECURRENT INFECTIONS; Hyper-IgE recurrent infection syndrome, autosomal recessive. Identifiers: Orphanet 217390, MedGen C4722305, MONDO:0009478, OMIM 243700.

Allele frequency attached by ClinVar (database versions not stated): gnomAD exomes below 0.00001.

Submission:

Labcorp Genetics (formerly Invitae), Labcorp
Classification: Uncertain significance for Combined immunodeficiency due to DOCK8 deficiency. Last evaluated: 2026-01-12. Review status: criteria provided, single submitter. Criteria: Invitae Variant Classification Sherloc (09022015). Collection method: clinical testing. Allele origin: germline.
Comment: This sequence change replaces lysine, which is basic and polar, with arginine, which is basic and polar, at codon 1654 of the DOCK8 protein (p.Lys1654Arg). This variant is not present in population databases (gnomAD no frequency). This variant has not been reported in the literature in individuals affected with DOCK8-related conditions. ClinVar contains an entry for this variant (Variation ID: 1431883). Invitae Evidence Modeling of protein sequence and biophysical properties (such as structural, functional, and spatial information, amino acid conservation, physicochemical variation, residue mobility, and thermodynamic stability) indicates that this missense variant is not expected to disrupt DOCK8 protein function with a negative predictive value of 80%. In summary, the available evidence is currently insufficient to determine the role of this variant in disease. Therefore, it has been classified as a Variant of Uncertain Significance.